The following is an entry in ClinVar:

ClinVar aggregate classification (germline): Conflicting classifications of pathogenicity. Review status: criteria provided, conflicting classifications (1 of 4 stars). 3 submissions from 3 submitters: Uncertain significance (1); Likely benign (2). Last evaluated 2025-02-17.

Conditions:
Neuromuscular disease caused by qualitative or quantitative defects of dysferlin. Also called: Dysferlinopathy; Qualitative or quantitative defects of dysferlin. Identifiers: Orphanet 207073, MedGen C2931687, MONDO:0016145.

Allele frequency attached by ClinVar (database versions not stated): gnomAD exomes 0.00001 and 0.00002; TOPMed 0.00001; ExAC 0.00002.
gnomAD v4.1: 36 of 1,614,144 alleles (0.0022%); highest among the groups gnomAD compares: Non-Finnish European, 0.003%; no homozygotes.

Submissions (3):

Labcorp Genetics (formerly Invitae), Labcorp
Classification: Likely benign for Neuromuscular disease caused by qualitative or quantitative defects of dysferlin. Last evaluated: 2025-02-17. Review status: criteria provided, single submitter. Criteria: Invitae Variant Classification Sherloc (09022015). Collection method: clinical testing. Allele origin: germline.

GeneDx
Classification: Likely benign. Last evaluated: 2018-05-09. Review status: criteria provided, single submitter. Criteria: GeneDx Variant Classification (06012015). Collection method: clinical testing. Allele origin: germline. Affected: yes.
Comment: This variant is considered likely benign or benign based on one or more of the following criteria: it is a conservative change, it occurs at a poorly conserved position in the protein, it is predicted to be benign by multiple in silico algorithms, and/or has population frequency not consistent with disease.

Illumina Laboratory Services, Illumina
Classification: Uncertain significance for Qualitative or quantitative defects of dysferlin. Last evaluated: 2018-01-13. Review status: criteria provided, single submitter. Criteria: ICSL Variant Classification Criteria 13 December 2019. Collection method: clinical testing. Allele origin: germline.

NM_001130987.2(DYSF):c.1807-13T>C

Gene: DYSF (dysferlin; plus strand). Cytogenetic location: 2p13.2.
Variant type: single nucleotide variant.
Coding change: c.1807-13T>C on transcript NM_001130987.2 (MANE Select); 13 bases into the intron before coding-DNA position 1807, T replaced by C.
Molecular consequence: intron variant.
Genome position (GRCh38, 1-based): chr2:71,552,998, T>C. VCF-style: chr2-71552998-T-C. GRCh37 (hg19) VCF-style: chr2-71780128-T-C.
Other names: c.1846-13T>C (NM_001130979.2); c.1804-13T>C (NM_001130981.2, NM_001130980.2); c.1753-13T>C (NM_001130978.2, NM_003494.4); c.1711-13T>C (NM_001130977.2, NM_001130976.2); c.1849-13T>C (NM_001130982.2); c.1807-13T>C (NM_001130985.2); c.1756-13T>C (NM_001130983.2, NM_001130455.2); c.1714-13T>C (NM_001130984.2, NM_001130986.2).
Identifiers: ClinVar variation 668194 (VCV000668194.8), dbSNP rs756387775, ClinGen allele CA1705958.